The following is an entry in ClinVar:

NM_012213.3(MLYCD):c.763G>A (p.Val255Met)

Gene: MLYCD (malonyl-CoA decarboxylase; plus strand). Cytogenetic location: 16q23.3.
Variant type: single nucleotide variant.
Coding change: c.763G>A on transcript NM_012213.3 (MANE Select); coding-DNA position 763, G replaced by A.
Protein change: p.Val255Met; replaces valine 255 with methionine.
Molecular consequence: missense variant.
Genome position (GRCh38, 1-based): chr16:83,908,247, G>A. VCF-style: chr16-83908247-G-A. GRCh37 (hg19) VCF-style: chr16-83941852-G-A.
Other names: short protein forms V255M.
Identifiers: ClinVar variation 1052762 (VCV001052762.6), dbSNP rs377566911, ClinGen allele CA8197361.

ClinVar aggregate classification (germline): Uncertain significance (1 of 4 stars; one submission).

Conditions:
Deficiency of malonyl-CoA decarboxylase. Also called: Malonic aciduria; MCD deficiency. Identifiers: Orphanet 943, MedGen C0342793, MONDO:0009556, OMIM 248360.

Allele frequency attached by ClinVar (database versions not stated): gnomAD exomes 0.00003 and 0.00005; ExAC 0.00007; gnomAD 0.00007 and 0.00008; ESP Exome Variant Server 0.00008; TOPMed 0.00009.
gnomAD v4.1: 58 of 1,614,038 alleles (0.0036%); highest among the groups gnomAD compares: African/African-American, 0.012%; no homozygotes.

Submission:

Labcorp Genetics (formerly Invitae), Labcorp
Classification: Uncertain significance for Deficiency of malonyl-CoA decarboxylase. Last evaluated: 2022-10-24. Review status: criteria provided, single submitter. Criteria: Invitae Variant Classification Sherloc (09022015). Collection method: clinical testing. Allele origin: germline.
Comment: This sequence change replaces valine, which is neutral and non-polar, with methionine, which is neutral and non-polar, at codon 255 of the MLYCD protein (p.Val255Met). This variant is present in population databases (rs377566911, gnomAD 0.008%). This variant has not been reported in the literature in individuals affected with MLYCD-related conditions. ClinVar contains an entry for this variant (Variation ID: 1052762). Algorithms developed to predict the effect of missense changes on protein structure and function are either unavailable or do not agree on the potential impact of this missense change (SIFT: "Deleterious"; PolyPhen-2: "Probably Damaging"; Align-GVGD: "Class C15"). In summary, the available evidence is currently insufficient to determine the role of this variant in disease. Therefore, it has been classified as a Variant of Uncertain Significance.